The following is an entry in ClinVar:

NM_001303052.2(MYT1L):c.1053G>A (p.Pro351=)

Gene: MYT1L (myelin transcription factor 1 like; minus strand). Cytogenetic location: 2p25.3.
Variant type: single nucleotide variant.
Coding change: c.1053G>A on transcript NM_001303052.2 (MANE Select); coding-DNA position 1053, G replaced by A.
Protein change: p.Pro351=; no amino-acid change (proline 351 retained).
Molecular consequence: synonymous variant.
Genome position (GRCh38, 1-based): chr2:1,922,716, C>T on the plus strand (G>A on the coding strand, the complement: MYT1L is on the minus strand). VCF-style: chr2-1922716-C-T. GRCh37 (hg19) VCF-style: chr2-1926488-C-T.
Other names: c.1053G>A, p.Pro351= (NM_001329844.2, NM_001329845.1, NM_001329846.3 and 6 more transcripts); c.1053G>A (NM_001303052.1).
Identifiers: ClinVar variation 1235704 (VCV001235704.6), dbSNP rs13399855, ClinGen allele CA1514309.

ClinVar aggregate classification (germline): Benign. Review status: criteria provided, multiple submitters, no conflicts (2 of 4 stars). 3 submissions from 3 submitters: Benign (2). 1 of the submissions does not count toward it. Last evaluated 2018-08-17.

Conditions:
MYT1L-related disorder. Also called: MYT1L-related condition.

Allele frequency attached by ClinVar (database versions not stated): 1000 Genomes Project 30x 0.02467; 1000 Genomes Project 0.02496; TOPMed 0.03775; ESP Exome Variant Server 0.04578.
gnomAD v4.1: 80,695 of 1,613,812 alleles (5%); highest among the groups gnomAD compares: Non-Finnish European, 5.6%; 2,354 homozygotes.

Submissions (3):

GeneDx
Classification: Benign. Last evaluated: 2018-08-17. Review status: criteria provided, single submitter. Criteria: GeneDx Variant Classification Process June 2021. Collection method: clinical testing. Allele origin: germline. Affected: yes.

Breakthrough Genomics
Classification: Benign. Review status: criteria provided, single submitter. Criteria: ACMG Guidelines, 2015. Collection method: not provided. Allele origin: germline. Inheritance: Autosomal dominant inheritance. Affected: yes.

PreventionGenetics, part of Exact Sciences
Classification: Benign for MYT1L-related condition. Last evaluated: 2019-07-18. Review status: no assertion criteria provided. Collection method: clinical testing. Allele origin: germline. Not counted in ClinVar's aggregate classification.
Comment: This variant is classified as benign based on ACMG/AMP sequence variant interpretation guidelines (Richards et al. 2015 PMID: 25741868, with internal and published modifications).